The following is an entry in ClinVar:

ClinVar aggregate classification (germline): Uncertain significance. Review status: criteria provided, multiple submitters, no conflicts (2 of 4 stars). 3 submissions from 3 submitters: Uncertain significance (3). Last evaluated 2026-06-09.

Conditions:
Cardiovascular phenotype. Identifiers: MedGen CN230736.
TNXB-related disorder. Also called: TNXB-related condition.

Allele frequency attached by ClinVar (database versions not stated): TOPMed 0.00005; ExAC 0.00015.
gnomAD v4.1: 136 of 1,613,526 alleles (0.0084%); highest among the groups gnomAD compares: South Asian, 0.13%; 1 homozygote.

Submissions (3):

Women's Health and Genetics/Laboratory Corporation of America, LabCorp
Classification: Uncertain significance. Last evaluated: 2026-06-09. Review status: criteria provided, single submitter. Criteria: LabCorp Variant Classification Summary - May 2015. Collection method: clinical testing. Allele origin: germline.
Comment: Variant summary: TNXB c.8659C>T (p.Arg2887Trp) results in a non-conservative amino acid change in the encoded protein sequence. Algorithms developed to predict the effect of missense changes on protein structure and function are either unavailable or do not agree on the potential impact of this missense change. The variant allele was found at a frequency of 0.00013 in 246664 control chromosomes. This frequency is not significantly higher than estimated for disease-causing variants in TNXB, allowing no conclusion about variant significance. To our knowledge, no occurrence of c.8659C>T in individuals affected with TNXB-related conditions and no experimental evidence demonstrating its impact on protein function have been reported. ClinVar contains an entry for this variant (Variation ID: 1764202). Based on the evidence outlined above, the variant was classified as uncertain significance.

PreventionGenetics, part of Exact Sciences
Classification: Uncertain significance for TNXB-related condition. Last evaluated: 2026-05-18. Review status: criteria provided, single submitter. Criteria: ACMG Guidelines, 2015. Collection method: clinical testing. Allele origin: germline.
Comment: The TNXB c.8659C>T variant is predicted to result in the amino acid substitution p.Arg2887Trp. To our knowledge, this variant has not been reported in the literature. This variant is reported in 0.10% of alleles in individuals of South Asian descent in gnomAD. Although we suspect that this variant may be benign, at this time, the clinical significance of this variant is uncertain due to the absence of conclusive functional and genetic evidence.

Ambry Genetics
Classification: Uncertain significance for Cardiovascular phenotype. Last evaluated: 2024-08-12. Review status: criteria provided, single submitter. Criteria: Ambry Variant Classification Scheme 2023. Collection method: clinical testing. Allele origin: germline.

NM_001365276.2(TNXB):c.8665C>T (p.Arg2889Trp)

Gene: TNXB (tenascin XB; minus strand). Cytogenetic location: 6p21.33.
Variant type: single nucleotide variant.
Coding change: c.8665C>T on transcript NM_001365276.2 (MANE Select); coding-DNA position 8665, C replaced by T.
Protein change: p.Arg2889Trp; replaces arginine 2889 with tryptophan.
Molecular consequence: missense variant.
Genome position (GRCh38, 1-based): chr6:32,053,514, G>A on the plus strand (C>T on the coding strand, the complement: TNXB is on the minus strand). VCF-style: chr6-32053514-G-A. GRCh37 (hg19) VCF-style: chr6-32021291-G-A.
Other names: c.8659C>T, p.Arg2887Trp (NM_019105.8); short protein forms R2887W, R2889W.
Identifiers: ClinVar variation 1764202 (VCV001764202.5), dbSNP rs774438735, ClinGen allele CA3733781.